The following is an entry in ClinVar:

ClinVar aggregate classification (germline): Likely benign. Review status: criteria provided, multiple submitters, no conflicts (2 of 4 stars). 3 submissions from 3 submitters: Likely benign (3). Last evaluated 2026-05-01.

Allele frequency attached by ClinVar (database versions not stated): TOPMed below 0.00001; ExAC 0.00001; gnomAD 0.00001; gnomAD exomes 0.00001 and 0.00002.
gnomAD v4.1: 9 of 1,613,526 alleles (0.00056%); highest among the groups gnomAD compares: Admixed American, 0.0033%; no homozygotes.

Submissions (3):

CeGaT Center for Human Genetics Tuebingen
Classification: Likely benign. Last evaluated: 2026-05-01. Review status: criteria provided, single submitter. Criteria: CeGaT Center For Human Genetics Tuebingen Variant Classification Criteria Version 2. Collection method: clinical testing. Allele origin: germline. Affected: yes. Observed: 1 variant allele.
Comment: RHOBTB2: BP4, BP7

Labcorp Genetics (formerly Invitae), Labcorp
Classification: Likely benign. Last evaluated: 2026-01-19. Review status: criteria provided, single submitter. Criteria: Invitae Variant Classification Sherloc (09022015). Collection method: clinical testing. Allele origin: germline.

Blueprint Genetics
Classification: Likely benign. Last evaluated: 2024-04-16. Review status: criteria provided, single submitter. Criteria: ACMG Guidelines, 2015. Collection method: clinical testing. Allele origin: germline.

NM_015178.3(RHOBTB2):c.174A>G (p.Gln58=)

Gene: RHOBTB2 (Rho related BTB domain containing 2; plus strand). Cytogenetic location: 8p21.3.
Variant type: single nucleotide variant.
Coding change: c.174A>G on transcript NM_015178.3 (MANE Select); coding-DNA position 174, A replaced by G.
Protein change: p.Gln58=; no amino-acid change (glutamine 58 retained).
Molecular consequence: synonymous variant.
Genome position (GRCh38, 1-based): chr8:23,004,608, A>G. VCF-style: chr8-23004608-A-G. GRCh37 (hg19) VCF-style: chr8-22862121-A-G.
Other names: c.240A>G, p.Gln80= (NM_001160036.2); c.195A>G, p.Gln65= (NM_001160037.2); c.174A>G, p.Gln58= (NM_001374791.1).
Identifiers: ClinVar variation 1647846 (VCV001647846.11), dbSNP rs769347708, ClinGen allele CA4672382.